The following is an entry in ClinVar:

ClinVar aggregate classification (germline): Pathogenic (1 of 4 stars; one submission).

Conditions:
Primary ciliary dyskinesia. Also called: Ciliary dyskinesia. Identifiers: Orphanet 244, MedGen C0008780, MONDO:0016575, HP:0012265.

Submission:

Labcorp Genetics (formerly Invitae), Labcorp
Classification: Pathogenic for Primary ciliary dyskinesia. Last evaluated: 2025-10-14. Review status: criteria provided, single submitter. Criteria: Invitae Variant Classification Sherloc (09022015). Collection method: clinical testing. Allele origin: germline.
Comment: This sequence change creates a premature translational stop signal (p.Trp82*) in the RSPH9 gene. It is expected to result in an absent or disrupted protein product. Loss-of-function variants in RSPH9 are known to be pathogenic (PMID: 23993197, 25789548). This variant is not present in population databases (gnomAD no frequency). This variant has not been reported in the literature in individuals affected with RSPH9-related conditions. Algorithms developed to predict the effect of sequence changes on RNA splicing suggest that this variant may disrupt the consensus splice site. For these reasons, this variant has been classified as Pathogenic.

Literature cited by the submitters: PubMed 23993197; PubMed 25789548.

NM_152732.5(RSPH9):c.245G>A (p.Trp82Ter)

Gene: RSPH9 (radial spoke head component 9; plus strand). Cytogenetic location: 6p21.1.
Variant type: single nucleotide variant.
Coding change: c.245G>A on transcript NM_152732.5 (MANE Select); coding-DNA position 245, G replaced by A.
Protein change: p.Trp82Ter; replaces tryptophan 82 with a stop codon.
Molecular consequence: nonsense. On other transcripts: non-coding transcript variant (1).
Genome position (GRCh38, 1-based): chr6:43,650,392, G>A. VCF-style: chr6-43650392-G-A. GRCh37 (hg19) VCF-style: chr6-43618129-G-A.
Other names: c.245G>A, p.Trp82Ter (NM_001193341.2, NM_001424119.1, NM_001424120.1 and 1 more transcripts); short protein forms W82*.
Identifiers: ClinVar variation 4728700 (VCV004728700.1).
Genomic context (GRCh38, chr6:43,650,392, plus strand): 5'-GAAGGGAGTTGGAATCCAGGGGTGATGTGAATATTGTTGGCAGCCTGAACTGCACAGAGT[G>A]GAGCCTCTTGCCCCCTGCCACAGAGGAGATGGTGGCGCAGTCGTCTGTGGTGAAGGGCCG-3'